The following is an entry in ClinVar:

NM_001369.3(DNAH5):c.4016T>G (p.Leu1339Arg)

Genes: DNAH5 (dynein axonemal heavy chain 5; minus strand), DNAH5-AS1 (DNAH5 antisense RNA 1; plus strand). Cytogenetic location: 5p15.2.
Variant type: single nucleotide variant.
Coding change: c.4016T>G on transcript NM_001369.3 (MANE Select); coding-DNA position 4016, T replaced by G.
Protein change: p.Leu1339Arg; replaces leucine 1339 with arginine.
Molecular consequence: missense variant.
Genome position (GRCh38, 1-based): chr5:13,867,811, A>C on the plus strand (T>G on the coding strand, the complement: DNAH5 is on the minus strand). VCF-style: chr5-13867811-A-C. GRCh37 (hg19) VCF-style: chr5-13867920-A-C.
Other names: p.Leu1339Arg; short protein forms L1339R.
Identifiers: ClinVar variation 1199261 (VCV001199261.12), dbSNP rs367816483, ClinGen allele CA3204116.

ClinVar aggregate classification (germline): Conflicting classifications of pathogenicity. Review status: criteria provided, conflicting classifications (1 of 4 stars). 5 submissions from 5 submitters: Uncertain significance (3); Likely benign (2). Last evaluated 2026-04-30.

Conditions:
Primary ciliary dyskinesia. Also called: Ciliary dyskinesia. Identifiers: Orphanet 244, MedGen C0008780, MONDO:0016575, HP:0012265.
Primary ciliary dyskinesia 3. Identifiers: Orphanet 244, MedGen C1837618, MONDO:0012085, OMIM 608644.

Allele frequency attached by ClinVar (database versions not stated): TOPMed 0.00013; ESP Exome Variant Server 0.00015; gnomAD 0.00015 and 0.00019; gnomAD exomes 0.00028; ExAC 0.00030; 1000 Genomes Project 0.00040; 1000 Genomes Project 30x 0.00047.
gnomAD v4.1: 253 of 1,614,042 alleles (0.016%); highest among the groups gnomAD compares: Middle Eastern, 0.17%; 2 homozygotes.

Submissions (5):

Myriad Genetics, Inc.
Classification: Uncertain significance for Primary ciliary dyskinesia 3. Last evaluated: 2026-04-30. Review status: criteria provided, single submitter. Criteria: Myriad Autosomal Dominant, Autosomal Recessive and X-Linked Classification Criteria (2023). Collection method: clinical testing. Allele origin: unknown.
Comment: NM_001369.2(DNAH5):c.4016T>G(L1339R) is a missense variant classified as a variant of uncertain significance in the context of primary ciliary dyskinesia, DNAH5-related. L1339R has not been observed in cases with relevant disease. Relevant functional assessments of this variant are not available in the literature. L1339R has been observed in referenced population frequency databases. In summary, there is insufficient evidence to classify NM_001369.2(DNAH5):c.4016T>G(L1339R) as pathogenic or benign. Please note: this variant was assessed in the context of healthy population screening.

Labcorp Genetics (formerly Invitae), Labcorp
Classification: Likely benign for Primary ciliary dyskinesia. Last evaluated: 2026-01-24. Review status: criteria provided, single submitter. Criteria: Invitae Variant Classification Sherloc (09022015). Collection method: clinical testing. Allele origin: germline.

Mayo Clinic Laboratories, Mayo Clinic
Classification: Uncertain significance. Last evaluated: 2025-12-12. Review status: criteria provided, single submitter. Criteria: ACMG Guidelines, 2015. Collection method: clinical testing. Allele origin: germline. Observed: 1 variant allele.
Comment: BP4_moderate

Ambry Genetics
Classification: Likely benign for Primary ciliary dyskinesia. Last evaluated: 2023-09-06. Review status: criteria provided, single submitter. Criteria: Ambry Variant Classification Scheme 2023. Collection method: clinical testing. Allele origin: germline.

Genome-Nilou Lab
Classification: Uncertain significance for Primary ciliary dyskinesia 3. Last evaluated: 2021-07-14. Review status: criteria provided, single submitter. Criteria: ACMG Guidelines, 2015. Collection method: clinical testing. Allele origin: germline. Affected: no.